The following is an entry in ClinVar:

ClinVar aggregate classification (germline): Pathogenic (1 of 4 stars; one submission).

Conditions:
Nemaline myopathy 5 (NEM5A). Also called: NEMALINE MYOPATHY, AMISH TYPE; NEMALINE MYOPATHY 5A, AUTOSOMAL RECESSIVE, SEVERE INFANTILE; Nemaline myopathy 5, Amish type. Identifiers: Orphanet 98902, MedGen C1854380, MONDO:0011539, OMIM 605355.

Submission:

Labcorp Genetics (formerly Invitae), Labcorp
Classification: Pathogenic for Nemaline myopathy 5. Last evaluated: 2024-02-05. Review status: criteria provided, single submitter. Criteria: Invitae Variant Classification Sherloc (09022015). Collection method: clinical testing. Allele origin: germline.
Comment: This sequence change creates a premature translational stop signal (p.Glu5Glyfs*8) in the TNNT1 gene. It is expected to result in an absent or disrupted protein product. Loss-of-function variants in TNNT1 are known to be pathogenic (PMID: 10952871, 24689076, 25430424). This variant is present in population databases (no rsID available, gnomAD 0.0009%). This variant has not been reported in the literature in individuals affected with TNNT1-related conditions. For these reasons, this variant has been classified as Pathogenic.

Literature cited by the submitters: PubMed 10952871; PubMed 24689076; PubMed 25430424.

NM_003283.6(TNNT1):c.7_13dup (p.Glu5fs)

Gene: TNNT1 (troponin T1, slow skeletal type; minus strand). Cytogenetic location: 19q13.42.
Variant type: Duplication.
Coding change: c.7_13dup on transcript NM_003283.6 (MANE Select); coding-DNA positions 7 to 13, 7 bases duplicated (GACACCG; older notation c.7_13dupGACACCG).
Protein change: p.Glu5fs; shifts the reading frame from glutamic acid 5.
Molecular consequence: frameshift variant.
Genome position (GRCh38, 1-based): chr19:55,147,145-55,147,151, CGGTGTC duplicated on the plus strand (GACACCG on the coding strand, the reverse complement: TNNT1 is on the minus strand); duplicating any 7 consecutive bases within chr19:55,147,145-55,147,153 gives the same sequence; the c. name uses the placement nearest the transcript's 3' end. VCF-style (leftmost placement, unchanged base first): chr19-55147144-T-TCGGTGTC. GRCh37 (hg19) VCF-style: chr19-55658512-T-TCGGTGTC.
Other names: c.7_13dup, p.Glu5fs (NM_001126132.3, NM_001126133.3, NM_001291774.2); short protein forms E5fs.
Identifiers: ClinVar variation 3679087 (VCV003679087.2).